The following is an entry in ClinVar:

ClinVar aggregate classification (germline): Uncertain significance (1 of 4 stars; one submission).

Conditions:
Charcot-Marie-Tooth disease type 4. Also called: Charcot-Marie-Tooth, Type 4; Charcot-Marie-Tooth disease, type IV. Identifiers: Orphanet 64749, MedGen C4082197, MONDO:0018995.

Allele frequency attached by ClinVar (database versions not stated): gnomAD exomes below 0.00001; TOPMed 0.00001.
gnomAD v4.1: 1 of 1,606,306 alleles (0.000062%); highest among the groups gnomAD compares: Non-Finnish European, 0.000085%; no homozygotes.

Submission:

Labcorp Genetics (formerly Invitae), Labcorp
Classification: Uncertain significance for Charcot-Marie-Tooth disease type 4. Last evaluated: 2022-03-18. Review status: criteria provided, single submitter. Criteria: Invitae Variant Classification Sherloc (09022015). Collection method: clinical testing. Allele origin: germline.
Comment: In summary, the available evidence is currently insufficient to determine the role of this variant in disease. Therefore, it has been classified as a Variant of Uncertain Significance. Algorithms developed to predict the effect of missense changes on protein structure and function are either unavailable or do not agree on the potential impact of this missense change (SIFT: "Deleterious"; PolyPhen-2: "Possibly Damaging"; Align-GVGD: "Class C0"). This variant has not been reported in the literature in individuals affected with FIG4-related conditions. This variant is not present in population databases (gnomAD no frequency). This sequence change replaces leucine, which is neutral and non-polar, with tryptophan, which is neutral and slightly polar, at codon 726 of the FIG4 protein (p.Leu726Trp).

NM_014845.6(FIG4):c.2177T>G (p.Leu726Trp)

Gene: FIG4 (FIG4 phosphoinositide 5-phosphatase; plus strand). Cytogenetic location: 6q21.
Variant type: single nucleotide variant.
Coding change: c.2177T>G on transcript NM_014845.6 (MANE Select); coding-DNA position 2177, T replaced by G.
Protein change: p.Leu726Trp; replaces leucine 726 with tryptophan.
Molecular consequence: missense variant.
Genome position (GRCh38, 1-based): chr6:109,789,674, T>G. VCF-style: chr6-109789674-T-G. GRCh37 (hg19) VCF-style: chr6-110110877-T-G.
Other names: short protein forms L726W.
Identifiers: ClinVar variation 1467869 (VCV001467869.6), dbSNP rs1778084158, ClinGen allele CA365232397.